The following is an entry in ClinVar:

ClinVar aggregate classification (germline): Uncertain significance. Review status: criteria provided, multiple submitters, no conflicts (2 of 4 stars). 2 submissions from 2 submitters: Uncertain significance (2). Last evaluated 2026-04-14.

Conditions:
Cardiovascular phenotype. Identifiers: MedGen CN230736.

Submissions (2):

GeneDx
Classification: Uncertain significance. Last evaluated: 2026-04-14. Review status: criteria provided, single submitter. Criteria: GeneDx Variant Classification Process June 2021. Collection method: clinical testing. Allele origin: germline.
Comment: Not observed at significant frequency in large population cohorts (gnomAD); In silico analysis suggests that this missense variant does not alter protein structure/function; Has not been previously published as pathogenic or benign to our knowledge; Located in one of the three hot-spot regions of the RYR2 gene, where the majority of pathogenic missense variants occur (PMID: 19926015); This variant is associated with the following publications: (PMID: 19926015)

Ambry Genetics
Classification: Uncertain significance for Cardiovascular phenotype. Last evaluated: 2020-12-28. Review status: criteria provided, single submitter. Criteria: Ambry Variant Classification Scheme 2023. Collection method: clinical testing. Allele origin: germline.
Comment: The c.12208G>A (p.A4070T) alteration is located in exon 90 (coding exon 90) of the RYR2 gene. This alteration results from a G to A substitution at nucleotide position 12208, causing the alanine (A) at amino acid position 4070 to be replaced by a threonine (T). The p.A4070T alteration is predicted to be tolerated by in silico analysis. Based on insufficient or conflicting evidence, the clinical significance of this alteration remains unclear.

NM_001035.3(RYR2):c.12208G>A (p.Ala4070Thr)

Gene: RYR2 (ryanodine receptor 2; plus strand). Cytogenetic location: 1q43.
Variant type: single nucleotide variant.
Coding change: c.12208G>A on transcript NM_001035.3 (MANE Select); coding-DNA position 12208, G replaced by A.
Protein change: p.Ala4070Thr; replaces alanine 4070 with threonine.
Molecular consequence: missense variant.
Genome position (GRCh38, 1-based): chr1:237,783,920, G>A. VCF-style: chr1-237783920-G-A. GRCh37 (hg19) VCF-style: chr1-237947220-G-A.
Other names: short protein forms A4070T.
Identifiers: ClinVar variation 2228466 (VCV002228466.3), dbSNP rs2527778193, ClinGen allele CA345412580.